The following is an entry in ClinVar:

ClinVar aggregate classification (germline): Uncertain significance. Review status: criteria provided, multiple submitters, no conflicts (2 of 4 stars). 4 submissions from 4 submitters: Uncertain significance (3). 1 of the submissions does not count toward it. Last evaluated 2025-09-10.

Conditions:
Inborn genetic diseases. Identifiers: MedGen C0950123, MeSH D030342.
Methylmalonic aciduria, cblA type (MACA). Also called: Methylmalonic aciduria, vitamin b12-responsive, due to defect in synthesis of adenosylcobalamin, cbla complementation type; MMA cbl A type; Methylmalonic acidemia cblA type; Methylmalonic aciduria, vitamin B12-responsive; Vitamin B12-responsive methylmalonic acidemia type cblA. Identifiers: Orphanet 28, Orphanet 79310, MedGen C1855109, MONDO:0009613, OMIM 251100.

Allele frequency attached by ClinVar (database versions not stated): gnomAD 0.00001; gnomAD exomes 0.00001 and 0.00002; TOPMed 0.00002.

Submissions (4):

Ambry Genetics
Classification: Uncertain significance for Inborn genetic diseases. Last evaluated: 2025-09-10. Review status: criteria provided, single submitter. Criteria: Ambry Variant Classification Scheme 2023. Collection method: clinical testing. Allele origin: germline.

Fulgent Genetics
Classification: Uncertain significance for Methylmalonic aciduria, cblA type. Last evaluated: 2024-04-18. Review status: criteria provided, single submitter. Criteria: ACMG Guidelines, 2015. Collection method: clinical testing. Allele origin: germline.

Labcorp Genetics (formerly Invitae), Labcorp
Classification: Uncertain significance for Methylmalonic aciduria, cblA type. Last evaluated: 2021-12-24. Review status: criteria provided, single submitter. Criteria: Invitae Variant Classification Sherloc (09022015). Collection method: clinical testing. Allele origin: germline.
Comment: This sequence change replaces isoleucine, which is neutral and non-polar, with threonine, which is neutral and polar, at codon 275 of the MMAA protein (p.Ile275Thr). This variant is present in population databases (no rsID available, gnomAD 0.002%). This variant has not been reported in the literature in individuals affected with MMAA-related conditions. ClinVar contains an entry for this variant (Variation ID: 990274). Advanced modeling of protein sequence and biophysical properties (such as structural, functional, and spatial information, amino acid conservation, physicochemical variation, residue mobility, and thermodynamic stability) performed at Invitae indicates that this missense variant is expected to disrupt MMAA protein function. In summary, the available evidence is currently insufficient to determine the role of this variant in disease. Therefore, it has been classified as a Variant of Uncertain Significance.

Natera, Inc.
Classification: Uncertain significance for Methylmalonic aciduria cblA type. Last evaluated: 2020-09-14. Review status: no assertion criteria provided. Collection method: clinical testing. Allele origin: germline. Not counted in ClinVar's aggregate classification.

NM_172250.3(MMAA):c.824T>C (p.Ile275Thr)

Gene: MMAA (metabolism of cobalamin associated A; plus strand). Cytogenetic location: 4q31.21.
Variant type: single nucleotide variant.
Coding change: c.824T>C on transcript NM_172250.3 (MANE Select); coding-DNA position 824, T replaced by C.
Protein change: p.Ile275Thr; replaces isoleucine 275 with threonine.
Molecular consequence: missense variant.
Genome position (GRCh38, 1-based): chr4:145,653,998, T>C. VCF-style: chr4-145653998-T-C. GRCh37 (hg19) VCF-style: chr4-146575150-T-C.
Other names: c.824T>C (NM_172250.2); c.824T>C, p.Ile275Thr (NM_001375644.1); short protein forms I275T.
Identifiers: ClinVar variation 990274 (VCV000990274.8), dbSNP rs1204400776, ClinGen allele CA358342279.